The following is an entry in ClinVar:

ClinVar aggregate classification (germline): Pathogenic (1 of 4 stars; one submission).

Conditions:
RYR1-related disorder. Also called: RYR1-related condition; RYR1-related disorders. Identifiers: MedGen CN239331.

Submission:

Labcorp Genetics (formerly Invitae), Labcorp
Classification: Pathogenic for RYR1-related disorder. Last evaluated: 2023-03-29. Review status: criteria provided, single submitter. Criteria: Invitae Variant Classification Sherloc (09022015). Collection method: clinical testing. Allele origin: germline.
Comment: For these reasons, this variant has been classified as Pathogenic. This variant has not been reported in the literature in individuals affected with RYR1-related conditions. This variant is not present in population databases (gnomAD no frequency). This sequence change creates a premature translational stop signal (p.Val74Alafs*9) in the RYR1 gene. It is expected to result in an absent or disrupted protein product. Loss-of-function variants in RYR1 are known to be pathogenic (PMID: 23919265, 25960145, 28818389, 30611313).

Literature cited by the submitters: PubMed 23919265; PubMed 25960145; PubMed 28818389; PubMed 30611313.

NM_000540.3(RYR1):c.221_222del (p.Val74fs)

Gene: RYR1 (ryanodine receptor 1; plus strand). Cytogenetic location: 19q13.2.
Variant type: Microsatellite.
Coding change: c.221_222del on transcript NM_000540.3 (MANE Select); coding-DNA positions 221 to 222, 2 bases deleted (TG; older notation c.221_222delTG).
Protein change: p.Val74fs; shifts the reading frame from valine 74.
Molecular consequence: frameshift variant.
Genome position (GRCh38, 1-based): chr19:38,442,404-38,442,405, TG deleted; deleting any 2 consecutive bases within chr19:38,442,402-38,442,405 gives the same sequence; the c. name uses the placement nearest the transcript's 3' end. VCF-style (leftmost placement, unchanged base first): chr19-38442401-CTG-C. GRCh37 (hg19) VCF-style: chr19-38933041-CTG-C.
Other names: c.221_222del, p.Val74fs (NM_001042723.2); short protein forms V74fs.
Identifiers: ClinVar variation 2962942 (VCV002962942.3), dbSNP rs2513965654, ClinGen allele CA2584892194.